The following is an entry in ClinVar:

NM_001232.4(CASQ2):c.278T>C (p.Met93Thr)

Gene: CASQ2 (calsequestrin 2; minus strand). Cytogenetic location: 1p13.1.
Variant type: single nucleotide variant.
Coding change: c.278T>C on transcript NM_001232.4 (MANE Select); coding-DNA position 278, T replaced by C.
Protein change: p.Met93Thr; replaces methionine 93 with threonine.
Molecular consequence: missense variant.
Genome position (GRCh38, 1-based): chr1:115,744,869, A>G on the plus strand (T>C on the coding strand, the complement: CASQ2 is on the minus strand). VCF-style: chr1-115744869-A-G. GRCh37 (hg19) VCF-style: chr1-116287490-A-G.
Other names: short protein forms M93T.
Identifiers: ClinVar variation 1495809 (VCV001495809.9), dbSNP rs1328122344, ClinGen allele CA341765416.

ClinVar aggregate classification (germline): Uncertain significance (1 of 4 stars; one submission).

Conditions:
Catecholaminergic polymorphic ventricular tachycardia 1. Also called: VENTRICULAR TACHYCARDIA, CATECHOLAMINERGIC POLYMORPHIC, 1, WITH OR WITHOUT ATRIAL DYSFUNCTION AND/OR DILATED CARDIOMYOPATHY; RYR2-Related Catecholaminergic Polymorphic Ventricular Tachycardia; VENTRICULAR TACHYCARDIA, STRESS-INDUCED POLYMORPHIC 1. Identifiers: Orphanet 3286, MedGen C1631597, MONDO:0011484, OMIM 604772.

Allele frequency attached by ClinVar (database versions not stated): gnomAD exomes below 0.00001; gnomAD 0.00001.
gnomAD v4.1: 2 of 1,613,882 alleles (0.00012%); highest among the groups gnomAD compares: East Asian, 0.0022%; no homozygotes.

Submission:

Labcorp Genetics (formerly Invitae), Labcorp
Classification: Uncertain significance for Catecholaminergic polymorphic ventricular tachycardia 1. Last evaluated: 2025-10-18. Review status: criteria provided, single submitter. Criteria: Invitae Variant Classification Sherloc (09022015). Collection method: clinical testing. Allele origin: germline.
Comment: This sequence change replaces methionine, which is neutral and non-polar, with threonine, which is neutral and polar, at codon 93 of the CASQ2 protein (p.Met93Thr). This variant is present in population databases (no rsID available, gnomAD 0.01%). This variant has not been reported in the literature in individuals affected with CASQ2-related conditions. ClinVar contains an entry for this variant (Variation ID: 1495809). Invitae Evidence Modeling of protein sequence and biophysical properties (such as structural, functional, and spatial information, amino acid conservation, physicochemical variation, residue mobility, and thermodynamic stability) indicates that this missense variant is expected to disrupt CASQ2 protein function with a positive predictive value of 80%. In summary, the available evidence is currently insufficient to determine the role of this variant in disease. Therefore, it has been classified as a Variant of Uncertain Significance.